The following is an entry in ClinVar:

ClinVar aggregate classification (germline): Likely pathogenic (1 of 4 stars; one submission).

Conditions:
Glycogen storage disease, type IV (GSD4). Also called: AMYLOPECTINOSIS; ANDERSEN DISEASE; BRANCHER DEFICIENCY; CIRRHOSIS, FAMILIAL, WITH DEPOSITION OF ABNORMAL GLYCOGEN; GBE1 DEFICIENCY; GLYCOGEN BRANCHING ENZYME DEFICIENCY. Identifiers: Orphanet 367, MedGen C0017923, MONDO:0009292, OMIM 232500.

Submission:

Natera, Inc.
Classification: Likely pathogenic for Glycogen storage disease type IV. Last evaluated: 2025-07-21. Review status: criteria provided, single submitter. Criteria: Natera Variant Classification Schema (03/2026). Collection method: clinical testing. Allele origin: germline.
Comment: The c.2010_2011del variant in GBE1 is a frameshift variant predicted to shift the reading frame and introduce a stop codon. This variant is expected to result in nonsense mediated decay, truncation, or a dysfunctional protein product. This variant is rare in the general population with a frequency below the threshold expected for the associated phenotype(s). Given the available evidence, this variant is classified as Likely Pathogenic.

NM_000158.4(GBE1):c.2010_2011del (p.Phe670_Ser671insTer)

Gene: GBE1 (1,4-alpha-glucan branching enzyme 1; minus strand). Cytogenetic location: 3p12.2.
Variant type: Deletion.
Coding change: c.2010_2011del on transcript NM_000158.4 (MANE Select); coding-DNA positions 2010 to 2011, 2 bases deleted (TT; older notation c.2010_2011delTT).
Protein change: p.Phe670_Ser671insTer.
Molecular consequence: frameshift variant.
Genome position (GRCh38, 1-based): chr3:81,499,151-81,499,152, AA deleted on the plus strand (TT on the coding strand, the reverse complement: GBE1 is on the minus strand); deleting any 2 consecutive bases within chr3:81,499,151-81,499,157 gives the same sequence; the c. name uses the placement nearest the transcript's 3' end. VCF-style (leftmost placement, unchanged base first): chr3-81499150-GAA-G. GRCh37 (hg19) VCF-style: chr3-81548301-GAA-G.
Identifiers: ClinVar variation 4817838 (VCV004817838.1).